The following is an entry in ClinVar:

NM_016203.4(PRKAG2):c.*399G>A

Gene: PRKAG2 (protein kinase AMP-activated non-catalytic subunit gamma 2; minus strand). Cytogenetic location: 7q36.1.
Variant type: single nucleotide variant.
Coding change: c.*399G>A on transcript NM_016203.4 (MANE Select); 399 bases downstream of the stop codon, G replaced by A.
Molecular consequence: 3 prime UTR variant.
Genome position (GRCh38, 1-based): chr7:151,556,802, C>T on the plus strand (G>A on the coding strand, the complement: PRKAG2 is on the minus strand). VCF-style: chr7-151556802-C-T. GRCh37 (hg19) VCF-style: chr7-151253888-C-T.
Other names: c.*399G>A (NM_001040633.2, NM_001304527.2, NM_001304531.2 and 2 more transcripts).
Identifiers: ClinVar variation 910803 (VCV000910803.34), dbSNP rs112179332, ClinGen allele CA169162278.
Genomic context (GRCh38, chr7:151,556,802, plus strand): 5'-TGATTTGGTAAAAGGTTCAAAGACTTCCACATTCAAGCTCGGTGTTGTTTCACACGCGTG[C>T]GCCCCGGCTGCGGCGGTGACATATTGCTGTATTCGGACATAAGGCACTGTGATCTGAACA-3'

ClinVar aggregate classification (germline): Benign/Likely benign. Review status: criteria provided, multiple submitters, no conflicts (2 of 4 stars). 4 submissions from 3 submitters: Benign (2); Likely benign (2). Last evaluated 2023-02-01.

Conditions:
Wolff-Parkinson-White pattern. Also called: Auriculoventricular accessory pathway syndrome; False bundle branch block syndrome; Anomalous ventricular excitation syndrome; WPW SYNDROME. Identifiers: MedGen C0043202, MONDO:0008685, OMIM 194200, HP:0001716.
Hypertrophic cardiomyopathy 6. Identifiers: MedGen C1833236, MONDO:0010946, OMIM 600858.

Allele frequency attached by ClinVar (database versions not stated): 1000 Genomes Project 30x 0.00453; 1000 Genomes Project 0.00459; TOPMed 0.00572.
gnomAD v4.1: 741 of 199,596 alleles (0.37%); highest among the groups gnomAD compares: African/African-American, 1.3%; 4 homozygotes.

Submissions (4):

CeGaT Center for Human Genetics Tuebingen
Classification: Benign. Last evaluated: 2023-02-01. Review status: criteria provided, single submitter. Criteria: CeGaT Center For Human Genetics Tuebingen Variant Classification Criteria Version 2. Collection method: clinical testing. Allele origin: germline. Affected: yes. Observed: 4 variant alleles.
Comment: PRKAG2: BS1, BS2

Illumina Laboratory Services, Illumina
Classification: Likely benign for Hypertrophic cardiomyopathy 6. Last evaluated: 2018-01-12. Review status: criteria provided, single submitter. Criteria: ICSL Variant Classification Criteria 13 December 2019. Collection method: clinical testing. Allele origin: germline.
Comment: This variant was observed in the ICSL laboratory as part of a predisposition screen in an ostensibly healthy population. It had not been previously curated by ICSL or reported in the Human Gene Mutation Database (HGMD: prior to June 1st, 2018), and was therefore a candidate for classification through an automated scoring system. Utilizing variant allele frequency, disease prevalence and penetrance estimates, and inheritance mode, an automated score was calculated to assess if this variant is too frequent to cause the disease. Based on the score and internal cut-off values, a variant classified as likely benign is not then subjected to further curation. The score for this variant resulted in a classification of likely benign for this disease.

Illumina Laboratory Services, Illumina
Classification: Likely benign for Wolff-Parkinson-White pattern. Last evaluated: 2018-01-12. Review status: criteria provided, single submitter. Criteria: ICSL Variant Classification Criteria 13 December 2019. Collection method: clinical testing. Allele origin: germline.
Comment: the same text as in the submission from Illumina Laboratory Services, Illumina above.

GeneDx
Classification: Benign. Last evaluated: 2015-03-03. Review status: criteria provided, single submitter. Criteria: GeneDx Variant Classification Process June 2021. Collection method: clinical testing. Allele origin: germline. Affected: yes.